The following is an entry in ClinVar:

NM_001077350.3(NPRL3):c.224C>T (p.Thr75Ile)

Genes: HBA-LCR (alpha-globin locus control region; plus strand), NPRL3 (NPR3 like, GATOR1 complex subunit; minus strand). Cytogenetic location: 16p13.3.
Variant type: single nucleotide variant.
Coding change: c.224C>T on transcript NM_001077350.3 (MANE Select); coding-DNA position 224, C replaced by T.
Protein change: p.Thr75Ile; replaces threonine 75 with isoleucine.
Molecular consequence: missense variant. On other transcripts: 5 prime UTR variant (1), intron variant (1).
Genome position (GRCh38, 1-based): chr16:119,220, G>A on the plus strand (C>T on the coding strand, the complement: NPRL3 is on the minus strand). VCF-style: chr16-119220-G-A. GRCh37 (hg19) VCF-style: chr16-169219-G-A.
Other names: c.-11C>T (NM_001243247.2); c.224C>T, p.Thr75Ile (NM_001243248.2, NM_001243249.2); c.-144-6445C>T (NM_001039476.3); short protein forms T75I.
Identifiers: ClinVar variation 2962802 (VCV002962802.3), dbSNP rs1900182746, ClinGen allele CA393995539.

ClinVar aggregate classification (germline): Uncertain significance (1 of 4 stars; one submission).

Conditions:
Epilepsy, familial focal, with variable foci 3 (FFEVF3). Identifiers: MedGen C4310708, MONDO:0014925, OMIM 617118.

gnomAD v4.1: 3 of 1,611,110 alleles (0.00019%); highest among the groups gnomAD compares: African/African-American, 0.0027%; no homozygotes.

Submission:

Labcorp Genetics (formerly Invitae), Labcorp
Classification: Uncertain significance for Epilepsy, familial focal, with variable foci 3. Last evaluated: 2023-09-22. Review status: criteria provided, single submitter. Criteria: Invitae Variant Classification Sherloc (09022015). Collection method: clinical testing. Allele origin: germline.
Comment: This sequence change replaces threonine, which is neutral and polar, with isoleucine, which is neutral and non-polar, at codon 75 of the NPRL3 protein (p.Thr75Ile). This variant is not present in population databases (gnomAD no frequency). This variant has not been reported in the literature in individuals affected with NPRL3-related conditions. Advanced modeling of protein sequence and biophysical properties (such as structural, functional, and spatial information, amino acid conservation, physicochemical variation, residue mobility, and thermodynamic stability) performed at Invitae indicates that this missense variant is not expected to disrupt NPRL3 protein function. In summary, the available evidence is currently insufficient to determine the role of this variant in disease. Therefore, it has been classified as a Variant of Uncertain Significance.